The following is an entry in ClinVar:

NM_182961.4(SYNE1):c.12955A>C (p.Ser4319Arg)

Gene: SYNE1 (spectrin repeat containing nuclear envelope protein 1; minus strand). Cytogenetic location: 6q25.2.
Variant type: single nucleotide variant.
Coding change: c.12955A>C on transcript NM_182961.4 (MANE Select); coding-DNA position 12955, A replaced by C.
Protein change: p.Ser4319Arg; replaces serine 4319 with arginine.
Molecular consequence: missense variant.
Genome position (GRCh38, 1-based): chr6:152,331,730, T>G on the plus strand (A>C on the coding strand, the complement: SYNE1 is on the minus strand). VCF-style: chr6-152331730-T-G. GRCh37 (hg19) VCF-style: chr6-152652865-T-G.
Other names: c.12742A>C, p.Ser4248Arg (NM_033071.5); short protein forms S4319R, S4248R.
Identifiers: ClinVar variation 1030073 (VCV001030073.1), dbSNP rs1267678977, ClinGen allele CA366104670.

ClinVar aggregate classification (germline): Uncertain significance (1 of 4 stars; one submission).

Conditions:
Arthrogryposis multiplex congenita 3, myogenic type. Also called: ARTHROGRYPOSIS MULTIPLEX CONGENITA, MYOGENIC TYPE. Identifiers: MedGen C5193121, MONDO:0032778, OMIM 618484.

Submission:

Baylor Genetics
Classification: Uncertain significance for Arthrogryposis multiplex congenita 3, myogenic type. Last evaluated: 2019-11-25. Review status: criteria provided, single submitter. Criteria: ACMG Guidelines, 2015. Collection method: clinical testing. Allele origin: unknown. Affected: yes.
Comment: This variant was determined to be of uncertain significance according to ACMG Guidelines, 2015 [PMID:25741868].